The following is an entry in ClinVar:

NM_005546.4(ITK):c.1515-10C>T

Gene: ITK (IL2 inducible T cell kinase; plus strand). Cytogenetic location: 5q33.3.
Variant type: single nucleotide variant.
Coding change: c.1515-10C>T on transcript NM_005546.4 (MANE Select); 10 bases into the intron before coding-DNA position 1515, C replaced by T.
Molecular consequence: intron variant.
Genome position (GRCh38, 1-based): chr5:157,245,871, C>T. VCF-style: chr5-157245871-C-T. GRCh37 (hg19) VCF-style: chr5-156672881-C-T.
Other names: c.1515-10C>T (NM_005546.3).
Identifiers: ClinVar variation 1979045 (VCV001979045.8), dbSNP rs2532158545, ClinGen allele CA2578466451.

ClinVar aggregate classification (germline): Likely benign. Review status: criteria provided, multiple submitters, no conflicts (2 of 4 stars). 4 submissions from 4 submitters: Likely benign (3). 1 of the submissions does not count toward it. Last evaluated 2026-04-07.

Conditions:
ITK-related disorder. Also called: ITK-related condition.
Lymphoproliferative syndrome 1 (LPFS1). Identifiers: Orphanet 238505, Orphanet 538963, MedGen C3552634, MONDO:0013081, OMIM 613011.

Allele frequency attached by ClinVar (database versions not stated): gnomAD exomes below 0.00001.
gnomAD v4.1: 1 of 1,612,432 alleles (0.000062%); highest among the groups gnomAD compares: East Asian, 0.0022%; no homozygotes.

Submissions (4):

Women's Health and Genetics/Laboratory Corporation of America, LabCorp
Classification: Likely benign. Last evaluated: 2026-04-07. Review status: criteria provided, single submitter. Criteria: LabCorp Variant Classification Summary - May 2015. Collection method: clinical testing. Allele origin: germline.

Blueprint Genetics
Classification: Likely benign. Last evaluated: 2024-10-23. Review status: criteria provided, single submitter. Criteria: ACMG Guidelines, 2015. Collection method: clinical testing. Allele origin: germline.

Labcorp Genetics (formerly Invitae), Labcorp
Classification: Likely benign for Lymphoproliferative syndrome 1. Last evaluated: 2022-02-19. Review status: criteria provided, single submitter. Criteria: Invitae Variant Classification Sherloc (09022015). Collection method: clinical testing. Allele origin: germline.

PreventionGenetics, part of Exact Sciences
Classification: Likely benign for ITK-related condition. Last evaluated: 2021-10-13. Review status: no assertion criteria provided. Collection method: clinical testing. Allele origin: germline. Not counted in ClinVar's aggregate classification.
Comment: This variant is classified as likely benign based on ACMG/AMP sequence variant interpretation guidelines (Richards et al. 2015 PMID: 25741868, with internal and published modifications).